The following is an entry in ClinVar:

NM_004064.5(CDKN1B):c.62C>G (p.Ala21Gly)

Gene: CDKN1B (cyclin dependent kinase inhibitor 1B; plus strand). Cytogenetic location: 12p13.1.
Variant type: single nucleotide variant.
Coding change: c.62C>G on transcript NM_004064.5 (MANE Select); coding-DNA position 62, C replaced by G.
Protein change: p.Ala21Gly; replaces alanine 21 with glycine.
Molecular consequence: missense variant.
Genome position (GRCh38, 1-based): chr12:12,717,901, C>G. VCF-style: chr12-12717901-C-G. GRCh37 (hg19) VCF-style: chr12-12870835-C-G.
Other names: short protein forms A21G.
Identifiers: ClinVar variation 2450778 (VCV002450778.2), dbSNP rs1229515408, ClinGen allele CA383968251.

ClinVar aggregate classification (germline): Uncertain significance (1 of 4 stars; one submission).

Conditions:
Hereditary cancer-predisposing syndrome. Also called: Neoplastic Syndromes, Hereditary; Tumor predisposition; Hereditary neoplastic syndrome; Hereditary Cancer Syndrome. Identifiers: Orphanet 140162, MedGen C0027672, MeSH D009386, MONDO:0015356.

Submission:

Ambry Genetics
Classification: Uncertain significance for Hereditary cancer-predisposing syndrome. Last evaluated: 2022-11-11. Review status: criteria provided, single submitter. Criteria: Ambry Variant Classification Scheme 2023. Collection method: clinical testing. Allele origin: germline.
Comment: The p.A21G variant (also known as c.62C>G), located in coding exon 1 of the CDKN1B gene, results from a C to G substitution at nucleotide position 62. The alanine at codon 21 is replaced by glycine, an amino acid with similar properties. This amino acid position is conserved. In addition, this alteration is predicted to be tolerated by in silico analysis. Since supporting evidence is limited at this time, the clinical significance of this alteration remains unclear.